The following is an entry in ClinVar:

ClinVar aggregate classification (germline): Uncertain significance (1 of 4 stars; one submission).

Conditions:
Chédiak-Higashi syndrome (CHS). Also called: Chediak-Higashi Syndrome. Identifiers: Orphanet 167, MedGen C0007965, MONDO:0008963, OMIM 214500.

Allele frequency attached by ClinVar (database versions not stated): gnomAD exomes below 0.00001.
gnomAD v4.1: 1 of 1,614,130 alleles (0.000062%); highest among the groups gnomAD compares: East Asian, 0.0022%; no homozygotes.

Submission:

Labcorp Genetics (formerly Invitae), Labcorp
Classification: Uncertain significance for Chédiak-Higashi syndrome. Last evaluated: 2024-11-11. Review status: criteria provided, single submitter. Criteria: Invitae Variant Classification Sherloc (09022015). Collection method: clinical testing. Allele origin: germline.
Comment: This sequence change replaces proline, which is neutral and non-polar, with leucine, which is neutral and non-polar, at codon 229 of the LYST protein (p.Pro229Leu). This variant is present in population databases (no rsID available, gnomAD 0.006%). This variant has not been reported in the literature in individuals affected with LYST-related conditions. ClinVar contains an entry for this variant (Variation ID: 2135456). Invitae Evidence Modeling of protein sequence and biophysical properties (such as structural, functional, and spatial information, amino acid conservation, physicochemical variation, residue mobility, and thermodynamic stability) indicates that this missense variant is not expected to disrupt LYST protein function with a negative predictive value of 80%. In summary, the available evidence is currently insufficient to determine the role of this variant in disease. Therefore, it has been classified as a Variant of Uncertain Significance.

NM_000081.4(LYST):c.686C>T (p.Pro229Leu)

Gene: LYST (lysosomal trafficking regulator; minus strand). Cytogenetic location: 1q42.3.
Variant type: single nucleotide variant.
Coding change: c.686C>T on transcript NM_000081.4 (MANE Select); coding-DNA position 686, C replaced by T.
Protein change: p.Pro229Leu; replaces proline 229 with leucine.
Molecular consequence: missense variant.
Genome position (GRCh38, 1-based): chr1:235,810,132, G>A on the plus strand (C>T on the coding strand, the complement: LYST is on the minus strand). VCF-style: chr1-235810132-G-A. GRCh37 (hg19) VCF-style: chr1-235973432-G-A.
Other names: c.686C>T, p.Pro229Leu (NM_001301365.1); short protein forms P229L.
Identifiers: ClinVar variation 2135456 (VCV002135456.3), dbSNP rs1263588385, ClinGen allele CA344964657.
Genomic context (GRCh38, chr1:235,810,132, plus strand): 5'-TTACTGATAACAGACAAGGCAGCTGGCTCACTTAAAATGTCAGTGTTTGACCCCTGTCTT[G>A]GAATAATCTCTCTGGAATTTTCCAAAGCCATAGCATCTGGAGGAGTCTGTTCTTTGGTTG-3'
Protein context (NP_000072.2, residues 219-239): MALENSREII[Pro229Leu]RQGSNTDILS